The following is an entry in ClinVar:

ClinVar aggregate classification (germline): Benign. Review status: criteria provided, single submitter (1 of 4 stars). 2 submissions from 2 submitters: Benign (1). 1 of the submissions does not count toward it. Last evaluated 2024-11-01.

Conditions:
ADAMTS3-related disorder. Also called: ADAMTS3-related condition.

Allele frequency attached by ClinVar (database versions not stated): TOPMed 0.00034; gnomAD 0.00064; gnomAD exomes 0.00098; 1000 Genomes Project 0.00140; 1000 Genomes Project 30x 0.00141; ExAC 0.00194.
gnomAD v4.1: 1,532 of 1,609,840 alleles (0.095%); highest among the groups gnomAD compares: South Asian, 1.1%; 20 homozygotes.

Submissions (2):

CeGaT Center for Human Genetics Tuebingen
Classification: Benign. Last evaluated: 2024-11-01. Review status: criteria provided, single submitter. Criteria: CeGaT Center For Human Genetics Tuebingen Variant Classification Criteria Version 2. Collection method: clinical testing. Allele origin: germline. Affected: yes. Observed: 4 variant alleles.
Comment: ADAMTS3: BP4, BS1, BS2

PreventionGenetics, part of Exact Sciences
Classification: Benign for ADAMTS3-related condition. Last evaluated: 2019-02-19. Review status: no assertion criteria provided. Collection method: clinical testing. Allele origin: germline. Not counted in ClinVar's aggregate classification.
Comment: This variant is classified as benign based on ACMG/AMP sequence variant interpretation guidelines (Richards et al. 2015 PMID: 25741868, with internal and published modifications).

NM_014243.3(ADAMTS3):c.862-4C>T

Gene: ADAMTS3 (ADAM metallopeptidase with thrombospondin type 1 motif 3; minus strand). Cytogenetic location: 4q13.3.
Variant type: single nucleotide variant.
Coding change: c.862-4C>T on transcript NM_014243.3 (MANE Select); 4 bases into the intron before coding-DNA position 862, C replaced by T.
Molecular consequence: intron variant.
Genome position (GRCh38, 1-based): chr4:72,323,101, G>A on the plus strand (C>T on the coding strand, the complement: ADAMTS3 is on the minus strand). VCF-style: chr4-72323101-G-A. GRCh37 (hg19) VCF-style: chr4-73188818-G-A.
Other names: c.862-4C>T (NM_014243.2).
Identifiers: ClinVar variation 2654812 (VCV002654812.25), dbSNP rs200345422, ClinGen allele CA2957115.
Genomic context (GRCh38, chr4:72,323,101, plus strand): 5'-CACCAGGACCACATTTATATGCACTCCGAGGGACTCATCATGGTAAATTTCATTCACCTA[G>A]CAACAAAAAAAGATAATTGCTAAAAGAAAGGAAACACCGAGGATTTCATGAGATGTACAT-3'